The following is an entry in ClinVar:

NM_004706.4(ARHGEF1):c.860T>C (p.Leu287Pro)

Gene: ARHGEF1 (Rho guanine nucleotide exchange factor 1; plus strand). Cytogenetic location: 19q13.2.
Variant type: single nucleotide variant.
Coding change: c.860T>C on transcript NM_004706.4 (MANE Select); coding-DNA position 860, T replaced by C.
Protein change: p.Leu287Pro; replaces leucine 287 with proline.
Molecular consequence: missense variant.
Genome position (GRCh38, 1-based): chr19:41,894,644, T>C. VCF-style: chr19-41894644-T-C. GRCh37 (hg19) VCF-style: chr19-42398717-T-C.
Other names: c.761T>C, p.Leu254Pro (NM_198977.2); c.905T>C, p.Leu302Pro (NM_199002.2); c.905T>C (NM_199002.1); short protein forms L254P, L287P, L302P.
Identifiers: ClinVar variation 1017652 (VCV001017652.6), dbSNP rs145833533, ClinGen allele CA9466090.

ClinVar aggregate classification (germline): Uncertain significance. Review status: criteria provided, multiple submitters, no conflicts (2 of 4 stars). 2 submissions from 2 submitters: Uncertain significance (2). Last evaluated 2026-01-30.

Allele frequency attached by ClinVar (database versions not stated): gnomAD 0.00010; gnomAD exomes 0.00010 and 0.00013; ExAC 0.00012; TOPMed 0.00021; ESP Exome Variant Server 0.00046.
gnomAD v4.1: 216 of 1,613,910 alleles (0.013%); highest among the groups gnomAD compares: Admixed American, 0.018%; no homozygotes.

Submissions (2):

Labcorp Genetics (formerly Invitae), Labcorp
Classification: Uncertain significance. Last evaluated: 2026-01-30. Review status: criteria provided, single submitter. Criteria: Invitae Variant Classification Sherloc (09022015). Collection method: clinical testing. Allele origin: germline.
Comment: This sequence change replaces leucine, which is neutral and non-polar, with proline, which is neutral and non-polar, at codon 302 of the ARHGEF1 protein (p.Leu302Pro). This variant is present in population databases (rs145833533, gnomAD 0.02%). This variant has not been reported in the literature in individuals affected with ARHGEF1-related conditions. ClinVar contains an entry for this variant (Variation ID: 1017652). An algorithm developed to predict the effect of missense changes on protein structure and function outputs the following: PolyPhen-2: "Benign". The proline amino acid residue is found in multiple mammalian species, which suggests that this missense change does not adversely affect protein function. In summary, the available evidence is currently insufficient to determine the role of this variant in disease. Therefore, it has been classified as a Variant of Uncertain Significance.

Ambry Genetics
Classification: Uncertain significance. Last evaluated: 2025-02-27. Review status: criteria provided, single submitter. Criteria: Ambry Variant Classification Scheme 2023. Collection method: clinical testing. Allele origin: germline.